The following is an entry in ClinVar:

NM_032217.5(ANKRD17):c.3557C>G (p.Pro1186Arg)

Gene: ANKRD17 (ankyrin repeat domain 17; minus strand). Cytogenetic location: 4q13.3.
Variant type: single nucleotide variant.
Coding change: c.3557C>G on transcript NM_032217.5 (MANE Select); coding-DNA position 3557, C replaced by G.
Protein change: p.Pro1186Arg; replaces proline 1186 with arginine.
Molecular consequence: missense variant.
Genome position (GRCh38, 1-based): chr4:73,121,695, G>C on the plus strand (C>G on the coding strand, the complement: ANKRD17 is on the minus strand). VCF-style: chr4-73121695-G-C. GRCh37 (hg19) VCF-style: chr4-73987412-G-C.
Other names: c.3218C>G, p.Pro1073Arg (NM_001286771.3); c.3554C>G, p.Pro1185Arg (NM_015574.2); c.2804C>G, p.Pro935Arg (NM_198889.3); short protein forms P1073R, P1185R, P1186R, P935R.
Identifiers: ClinVar variation 1342986 (VCV001342986.1), dbSNP rs2148701869, ClinGen allele CA357215400.

ClinVar aggregate classification (germline): Likely pathogenic (1 of 4 stars; one submission).

Conditions:
Chopra-Amiel-Gordon syndrome (CAGS). Also called: ANKRD17-Related Neurodevelopmental Syndrome. Identifiers: MedGen C5561975, MONDO:0859186, OMIM 619504.

Submission:

SIB Swiss Institute of Bioinformatics
Classification: Likely pathogenic for Chopra-Amiel-Gordon syndrome. Last evaluated: 2022-03-01. Review status: criteria provided, single submitter. Criteria: ACMG Guidelines, 2015. Collection method: curation. Allele origin: unknown.
Comment: This variant is interpreted as a likely pathogenic for Chopra-Amiel-Gordon syndrome, autosomal dominant. The following ACMG Tag(s) were applied: Absent from controls (or at extremely low frequency if recessive) in Exome Sequencing Project, 1000 Genomes Project, or Exome Aggregation Consortium (PM2); De novo (paternity and maternity confirmed) (PS2); Multiple lines of computational evidence support a deleterious effect on the gene or gene product (PP3); Missense variant in a gene that has a low rate of benign missense variation and in which missense variants are a common mechanism of disease (PP2).

Literature cited by the submitters: PubMed 33909992.